The following is an entry in ClinVar:

NM_001369.3(DNAH5):c.4834del (p.Val1612fs)

Genes: DNAH5 (dynein axonemal heavy chain 5; minus strand), LOC126807318 (MED14-independent group 3 enhancer GRCh37_chr5:13858976-13860175; plus strand). Cytogenetic location: 5p15.2.
Variant type: Deletion.
Coding change: c.4834del on transcript NM_001369.3 (MANE Select); coding-DNA position 4834, one base deleted (G; older notation c.4834delG).
Protein change: p.Val1612fs; shifts the reading frame from valine 1612.
Molecular consequence: frameshift variant.
Genome position (GRCh38, 1-based): chr5:13,859,568, C deleted on the plus strand (G on the coding strand, the reverse complement: DNAH5 is on the minus strand); the first of 3 consecutive C bases (chr5:13,859,568-13,859,570); deleting any one gives the same sequence. VCF-style (leftmost placement, unchanged base first): chr5-13859567-AC-A. GRCh37 (hg19) VCF-style: chr5-13859676-AC-A.
Other names: short protein forms V1612fs.
Identifiers: ClinVar variation 1725960 (VCV001725960.2), dbSNP rs2546965715, ClinGen allele CA2580072051.

ClinVar aggregate classification (germline): Likely pathogenic (1 of 4 stars; one submission).

Conditions:
Primary ciliary dyskinesia 3. Identifiers: Orphanet 244, MedGen C1837618, MONDO:0012085, OMIM 608644.

Submission:

Myriad Genetics, Inc.
Classification: Likely pathogenic for Primary ciliary dyskinesia 3. Last evaluated: 2021-12-08. Review status: criteria provided, single submitter. Criteria: Myriad Women's Health Autosomal Recessive and X-Linked Classification Criteria (2021). Collection method: clinical testing. Allele origin: unknown.
Comment: NM_001369.2(DNAH5):c.4834delG(V1612Cfs*15) is expected to be pathogenic in the context of DNAH5-related primary ciliary dyskinesia. This variant is predicted to lead to an abnormal or absent protein product due to the creation of a premature termination codon in DNAH5, a gene where loss-of-function variants are known to be pathogenic. Please note: this variant was assessed in the context of healthy population screening.